The following is an entry in ClinVar:

NM_001127222.2(CACNA1A):c.1357G>T (p.Ala453Ser)

Gene: CACNA1A (calcium voltage-gated channel subunit alpha1 A; minus strand). Cytogenetic location: 19p13.13.
Variant type: single nucleotide variant.
Coding change: c.1357G>T on transcript NM_001127222.2 (MANE Select); coding-DNA position 1357, G replaced by T.
Protein change: p.Ala453Ser; replaces alanine 453 with serine.
Molecular consequence: missense variant.
Genome position (GRCh38, 1-based): chr19:13,317,310, C>A on the plus strand (G>T on the coding strand, the complement: CACNA1A is on the minus strand). VCF-style: chr19-13317310-C-A. GRCh37 (hg19) VCF-style: chr19-13428124-C-A.
Other names: c.1360G>T, p.Ala454Ser (NM_000068.4, NM_001127221.2, NM_001174080.2 and 1 more transcripts); short protein forms A453S, A454S.
Identifiers: ClinVar variation 3754169 (VCV003754169.2).
Genomic context (GRCh38, chr19:13,317,310, plus strand): 5'-TCTCCTTTTTGTGAAAAAAGGTCGAGTTCTCCAGCTTGGCACTTTTAATGCTGGCTCGGG[C>A]GAAGGGAGAACCTGCCAGGGAAAAGATGGAGAATGTCAGGCTCAGGCTGTTCCTTCAGAA-3'
Protein context (NP_001120694.1, residues 443-463): ADIASVGSPF[Ala453Ser]RASIKSAKLE

ClinVar aggregate classification (germline): Uncertain significance (1 of 4 stars; one submission).

Conditions:
Episodic ataxia type 2 (EA2). Also called: ATAXIA, EPISODIC, WITH NYSTAGMUS; ATAXIA, FAMILIAL PAROXYSMAL; ACETAZOLAMIDE-RESPONSIVE HEREDITARY PAROXYSMAL CEREBELLAR ATAXIA; CEREBELLAR ATAXIA, PAROXYSMAL, ACETAZOLAMIDE-RESPONSIVE; CEREBELLOPATHY, HEREDITARY PAROXYSMAL; EPISODIC ATAXIA, NYSTAGMUS-ASSOCIATED. Identifiers: Orphanet 97, MedGen C1720416, MONDO:0007163, OMIM 108500.
Developmental and epileptic encephalopathy, 42 (DEE42A). Also called: Epileptic encephalopathy, early infantile, 42; DEVELOPMENTAL AND EPILEPTIC ENCEPHALOPATHY 42A; EPILEPTIC ENCEPHALOPATHY, EARLY INFANTILE, 42A. Identifiers: MedGen C4310716, MONDO:0014917, OMIM 617106.

gnomAD v4.1: 1 of 1,600,814 alleles (0.000062%); no homozygotes.

Submission:

Labcorp Genetics (formerly Invitae), Labcorp
Classification: Uncertain significance for Developmental and epileptic encephalopathy, 42; Episodic ataxia type 2. Last evaluated: 2024-05-18. Review status: criteria provided, single submitter. Criteria: Invitae Variant Classification Sherloc (09022015). Collection method: clinical testing. Allele origin: germline.
Comment: This sequence change replaces alanine, which is neutral and non-polar, with serine, which is neutral and polar, at codon 454 of the CACNA1A protein (p.Ala454Ser). This variant is not present in population databases (gnomAD no frequency). This variant has not been reported in the literature in individuals affected with CACNA1A-related conditions. Advanced modeling of protein sequence and biophysical properties (such as structural, functional, and spatial information, amino acid conservation, physicochemical variation, residue mobility, and thermodynamic stability) has been performed at Invitae for this missense variant, however the output from this modeling did not meet the statistical confidence thresholds required to predict the impact of this variant on CACNA1A protein function. In summary, the available evidence is currently insufficient to determine the role of this variant in disease. Therefore, it has been classified as a Variant of Uncertain Significance.